The following is an entry in ClinVar:

NM_014727.3(KMT2B):c.3053A>C (p.Lys1018Thr)

Gene: KMT2B (lysine methyltransferase 2B; plus strand). Cytogenetic location: 19q13.12.
Variant type: single nucleotide variant.
Coding change: c.3053A>C on transcript NM_014727.3 (MANE Select); coding-DNA position 3053, A replaced by C.
Protein change: p.Lys1018Thr; replaces lysine 1018 with threonine.
Molecular consequence: missense variant.
Genome position (GRCh38, 1-based): chr19:35,723,497, A>C. VCF-style: chr19-35723497-A-C. GRCh37 (hg19) VCF-style: chr19-36214399-A-C.
Other names: short protein forms K1018T.
Identifiers: ClinVar variation 3376182 (VCV003376182.1).
Genomic context (GRCh38, chr19:35,723,497, plus strand): 5'-CCCTCCCCAGATACCGGAAGTGTGACAAAATAGAGGCTCGGAAGATGGAACGACTGGCTA[A>C]AAAAGGTGACGAGCTTTAAGGAGCATTTCTTCTCAAAACCGTGTTAGAGTTTGTGCTGTG-3'
Protein context (NP_055542.1, residues 1008-1028): IEARKMERLA[Lys1018Thr]KGRTIVKTLL

ClinVar aggregate classification (germline): Uncertain significance (1 of 4 stars; one submission).

Conditions:
Intellectual developmental disorder, autosomal dominant 68 (MRD68). Also called: MENTAL RETARDATION, AUTOSOMAL DOMINANT 68. Identifiers: MedGen C5677008, MONDO:0030969, OMIM 619934.

Submission:

Pittsburgh Clinical Genomics Laboratory, University of Pittsburgh Medical Center
Classification: Uncertain significance for Intellectual developmental disorder, autosomal dominant 68. Last evaluated: 2023-02-17. Review status: criteria provided, single submitter. Criteria: ACMG Guidelines, 2015. Collection method: clinical testing. Allele origin: germline. Inheritance: Autosomal dominant inheritance. Affected: yes.
Comment: This sequence variant is a single nucleotide substitution (A>C) at coding position 3053 of the KMT2B gene that results in a lysine to threonine amino acid change at residue 1018 of the KMT2B-encoded protein, histone-lysine N-methyltransferase 2B. This variant is absent from an online database of clinically annotated variants (ClinVar) and, to our knowledge, has not been observed in the published literature in an individual affected by a KMT2B-related disorder. This variant is absent from the gnomAD population database (0 of approximately 180,000 alleles). Multiple bioinformatic tools predict that this lysine to threonine amino acid change would be damaging, and the lysine residue at this position is strongly conserved across the vertebrate species examined. Studies examining the functiol consequence of this variant have not been published, to our knowledge. At this time, there is insufficient evidence to determine if this variant is pathogenic or benign. Therefore, we consider this a variant of uncertain significance. ACMG Criteria: BP1, PM2, PP3